The following is an entry in ClinVar:

ClinVar aggregate classification (germline): Conflicting classifications of pathogenicity. Review status: criteria provided, conflicting classifications (1 of 4 stars). 8 submissions from 8 submitters: Uncertain significance (4); Likely benign (3). 1 of the submissions does not count toward it. Last evaluated 2026-01-17.

Conditions:
Hematuria, benign familial, 1 (BFH1). Also called: THIN MEMBRANE NEPHROPATHY. Identifiers: MedGen CN376803, MONDO:0007709, OMIM 141200.
Autosomal recessive Alport syndrome (ATS2). Also called: ALPORT SYNDROME 2, AUTOSOMAL RECESSIVE; COL4A4 Alport Syndrome and Thin Basement Membrane Nephropathy; Alport syndrome type 2; COL4A3-Related Nephropathy. Identifiers: Orphanet 63, Orphanet 88919, MedGen C4746745, MONDO:0008762, OMIM 203780.
Alport syndrome. Also called: Hemorrhagic familial nephritis; Hemorrhagic hereditary nephritis; Congenital hereditary hematuria. Identifiers: Orphanet 63, MedGen C1567741, MONDO:0018965.

Allele frequency attached by ClinVar (database versions not stated): ExAC 0.00015; 1000 Genomes Project 30x 0.00078; gnomAD exomes 0.00029; 1000 Genomes Project 0.00060; ESP Exome Variant Server 0.00017; gnomAD 0.00021 and 0.00022.
gnomAD v4.1: 424 of 1,492,242 alleles (0.028%); highest among the groups gnomAD compares: South Asian, 0.043%; no homozygotes.

Submissions (8):

Labcorp Genetics (formerly Invitae), Labcorp
Classification: Likely benign. Last evaluated: 2026-01-17. Review status: criteria provided, single submitter. Criteria: Invitae Variant Classification Sherloc (09022015). Collection method: clinical testing. Allele origin: germline.

GeneDx
Classification: Uncertain significance. Last evaluated: 2024-04-25. Review status: criteria provided, single submitter. Criteria: GeneDx Variant Classification Process June 2021. Collection method: clinical testing. Allele origin: germline. Affected: yes.
Comment: Observed in multiple unrelated patients with nephrotic syndrome in published literature (PMID: 23349334); however, patient-level clinical information was not provided; Occurs in the triple helical domain at the Y position in the canonical Gly-X-Y repeat; although this variant may have an effect on normal protein folding and function, missense substitution at the Y position is not a common mechanism of disease; In silico analysis indicates that this missense variant does not alter protein structure/function; This variant is associated with the following publications: (PMID: 25514610, 23349334)

Fulgent Genetics
Classification: Likely benign for Hematuria, benign familial, 1; Autosomal recessive Alport syndrome. Last evaluated: 2024-02-28. Review status: criteria provided, single submitter. Criteria: ACMG Guidelines, 2015. Collection method: clinical testing. Allele origin: germline.

CeGaT Center for Human Genetics Tuebingen
Classification: Likely benign. Last evaluated: 2023-08-01. Review status: criteria provided, single submitter. Criteria: CeGaT Center For Human Genetics Tuebingen Variant Classification Criteria Version 2. Collection method: clinical testing. Allele origin: germline. Affected: yes. Observed: 2 variant alleles.
Comment: COL4A4: BP5

Athena Diagnostics
Classification: Uncertain significance. Last evaluated: 2022-05-27. Review status: criteria provided, single submitter. Criteria: Athena Diagnostics Criteria. Collection method: clinical testing. Allele origin: unknown.

Laboratory for Molecular Medicine, Mass General Brigham Personalized Medicine
Classification: Uncertain significance. Last evaluated: 2020-04-02. Review status: criteria provided, single submitter. Criteria: ACMG Guidelines, 2015. Collection method: clinical testing. Allele origin: germline.
Comment: The p.Ala715Val variant in COL4A4 has been identified in Greek-Cypriot individuals with glomerular microscopic hematuria; however, it was reported as a polymorphism based on its frequency in the Cypriot population (reported as 1%, though it is unclear how many individuals were tested; Papazachariou 2014). This variant was also identified in 0.03% (10/29046) of South Asian chromosomes and 0.01% (16/126156) of European chromosomes by gnomAD. Computational prediction tools and conservation analysis suggest that this variant may not impact the protein, though this information is not predictive enough to rule out pathogenicity. In summary, though its frequency in the Cypriot population suggests it is more likely to be benign, the clinical significance of the p.Ala715Val variant is uncertain. ACMG/AMP Criteria applied: BP4.

Illumina Laboratory Services, Illumina
Classification: Uncertain significance for Alport syndrome. Last evaluated: 2017-04-28. Review status: criteria provided, single submitter. Criteria: ICSL Variant Classification Criteria 13 December 2019. Collection method: clinical testing. Allele origin: germline.
Comment: This variant was observed as part of a predisposition screen in an ostensibly healthy population. A literature search was performed for the gene, cDNA change, and amino acid change (where applicable). Publications were found based on this search. However, the evidence from the literature, in combination with allele frequency data from public databases where available, was not sufficient to rule this variant in or out of causing disease. Therefore, this variant is classified as a variant of unknown significance.

Natera, Inc.
Classification: Uncertain significance for Alport syndrome. Last evaluated: 2020-01-21. Review status: no assertion criteria provided. Collection method: clinical testing. Allele origin: germline. Not counted in ClinVar's aggregate classification.

Literature cited by the submitters: PubMed 25514610 (cited by 3 submitters); PubMed 23349334 (cited by 3 submitters).

NM_000092.5(COL4A4):c.2144C>T (p.Ala715Val)

Gene: COL4A4 (collagen type IV alpha 4 chain; minus strand). Cytogenetic location: 2q36.3.
Variant type: single nucleotide variant.
Coding change: c.2144C>T on transcript NM_000092.5 (MANE Select); coding-DNA position 2144, C replaced by T.
Protein change: p.Ala715Val; replaces alanine 715 with valine.
Molecular consequence: missense variant.
Genome position (GRCh38, 1-based): chr2:227,060,156, G>A on the plus strand (C>T on the coding strand, the complement: COL4A4 is on the minus strand). VCF-style: chr2-227060156-G-A. GRCh37 (hg19) VCF-style: chr2-227924872-G-A.
Other names: short protein forms A715V.
Identifiers: ClinVar variation 667226 (VCV000667226.52), dbSNP rs76636743, ClinGen allele CA2144937.